The following is an entry in ClinVar:

NM_033380.3(COL4A5):c.2530G>T (p.Glu844Ter)

Gene: COL4A5 (collagen type IV alpha 5 chain; plus strand). Cytogenetic location: Xq22.3.
Variant type: single nucleotide variant.
Coding change: c.2530G>T on transcript NM_033380.3 (MANE Select); coding-DNA position 2530, G replaced by T.
Protein change: p.Glu844Ter; replaces glutamic acid 844 with a stop codon.
Molecular consequence: nonsense.
Genome position (GRCh38, 1-based): chrX:108,620,279, G>T. VCF-style: chrX-108620279-G-T. GRCh37 (hg19) VCF-style: chrX-107863509-G-T.
Other names: c.2530G>T, p.Glu844Ter (NM_000495.5); short protein forms E844*.
Identifiers: ClinVar variation 2000602 (VCV002000602.4), dbSNP rs2524395369, ClinGen allele CA413851288.
Genomic context (GRCh38, chrX:108,620,279, plus strand): 5'-CTGCTTCAGTACTTATTAATATTGATATTGTATTAACTAGGTTTACATGGAATACCAGGA[G>T]AGAAGGGGGATCCAGGACCTCCTGGACTTGATGTTCCAGGACCCCCAGGTGAAAGAGGCA-3'

ClinVar aggregate classification (germline): Pathogenic (1 of 4 stars; one submission).

Submission:

Labcorp Genetics (formerly Invitae), Labcorp
Classification: Pathogenic. Last evaluated: 2022-08-09. Review status: criteria provided, single submitter. Criteria: Invitae Variant Classification Sherloc (09022015). Collection method: clinical testing. Allele origin: germline.
Comment: For these reasons, this variant has been classified as Pathogenic. This variant has not been reported in the literature in individuals affected with COL4A5-related conditions. This variant is not present in population databases (gnomAD no frequency). This sequence change creates a premature translational stop signal (p.Glu844*) in the COL4A5 gene. It is expected to result in an absent or disrupted protein product. Loss-of-function variants in COL4A5 are known to be pathogenic (PMID: 9195222, 10752524, 14514738, 24854265, 26809805).

Literature cited by the submitters: PubMed 9195222; PubMed 10752524; PubMed 14514738; PubMed 24854265; PubMed 26809805.